The following is an entry in ClinVar:

NM_002734.5(PRKAR1A):c.440+1G>A

Gene: PRKAR1A (protein kinase cAMP-dependent type I regulatory subunit alpha; plus strand). Cytogenetic location: 17q24.2.
Variant type: single nucleotide variant.
Coding change: c.440+1G>A on transcript NM_002734.5 (MANE Select); the canonical splice donor site of the intron after coding-DNA position 440, G replaced by A.
Molecular consequence: splice donor variant.
Genome position (GRCh38, 1-based): chr17:68,523,817, G>A. VCF-style: chr17-68523817-G-A. GRCh37 (hg19) VCF-style: chr17-66519958-G-A.
Other names: c.440+1G>A (NM_001278433.2, NM_001369389.1, NM_212471.3 and 4 more transcripts).
Identifiers: ClinVar variation 1421058 (VCV001421058.6), dbSNP rs2143289454, ClinGen allele CA400752758.

ClinVar aggregate classification (germline): Pathogenic (1 of 4 stars; one submission).

Conditions:
Carney complex, type 1 (CNC1). Also called: CARNEY MYXOMA-ENDOCRINE COMPLEX; CARNEY COMPLEX, TYPE I. Identifiers: Orphanet 1359, MedGen C2607929, MONDO:0008057, OMIM 160980.

Submission:

Labcorp Genetics (formerly Invitae), Labcorp
Classification: Pathogenic for Carney complex, type 1. Last evaluated: 2022-08-04. Review status: criteria provided, single submitter. Criteria: Invitae Variant Classification Sherloc (09022015). Collection method: clinical testing. Allele origin: germline.
Comment: ClinVar contains an entry for this variant (Variation ID: 1421058). For these reasons, this variant has been classified as Pathogenic. Algorithms developed to predict the effect of sequence changes on RNA splicing suggest that this variant may disrupt the consensus splice site. Disruption of this splice site has been observed in individuals with Carney complex (PMID: 20358582; Invitae). This variant is not present in population databases (gnomAD no frequency). This sequence change affects a donor splice site in intron 4 of the PRKAR1A gene. It is expected to disrupt RNA splicing. Variants that disrupt the donor or acceptor splice site typically lead to a loss of protein function (PMID: 16199547), and loss-of-function variants in PRKAR1A are known to be pathogenic (PMID: 11115848, 19293268).

Literature cited by the submitters: PubMed 20358582; PubMed 16199547; PubMed 11115848; PubMed 19293268.